The following is an entry in ClinVar:

ClinVar aggregate classification (germline): Uncertain significance (1 of 4 stars; one submission).

Conditions:
CEP164-related disorder. Also called: CEP164-related condition.

Submission:

PreventionGenetics, part of Exact Sciences
Classification: Uncertain significance for CEP164-related condition. Last evaluated: 2024-12-12. Review status: criteria provided, single submitter. Criteria: ACMG Guidelines, 2015. Collection method: clinical testing. Allele origin: germline.
Comment: The CEP164 c.4136A>G variant is predicted to result in the amino acid substitution p.Glu1379Gly. To our knowledge, this variant has not been reported in the literature or in a large population database (gnomAD), indicating this variant is rare. At this time, the clinical significance of this variant is uncertain due to the absence of conclusive functional and genetic evidence.

NM_014956.5(CEP164):c.4136A>G (p.Glu1379Gly)

Gene: CEP164 (centrosomal protein 164; plus strand). Cytogenetic location: 11q23.3.
Variant type: single nucleotide variant.
Coding change: c.4136A>G on transcript NM_014956.5 (MANE Select); coding-DNA position 4136, A replaced by G.
Protein change: p.Glu1379Gly; replaces glutamic acid 1379 with glycine.
Molecular consequence: missense variant.
Genome position (GRCh38, 1-based): chr11:117,410,867, A>G. VCF-style: chr11-117410867-A-G. GRCh37 (hg19) VCF-style: chr11-117281583-A-G.
Other names: c.4121A>G, p.Glu1374Gly (NM_001271933.2); c.4142A>G, p.Glu1381Gly (NM_001440949.1); c.4136A>G, p.Glu1379Gly (NM_001440950.1, NM_001440951.1); c.4127A>G, p.Glu1376Gly (NM_001440952.1); c.4112A>G, p.Glu1371Gly (NM_001440953.1); c.4058A>G, p.Glu1353Gly (NM_001440954.1, NM_001440955.1); c.4049A>G, p.Glu1350Gly (NM_001440956.1); c.4046A>G, p.Glu1349Gly (NM_001440957.1); and 21 more; short protein forms E1260G, E1304G, E1322G, E1333G, E1349G, E1350G, E1353G, E1379G.
Identifiers: ClinVar variation 4999662 (VCV004999662.1).